The following is an entry in ClinVar:

NM_014956.5(CEP164):c.1289C>T (p.Ser430Phe)

Gene: CEP164 (centrosomal protein 164; plus strand). Cytogenetic location: 11q23.3.
Variant type: single nucleotide variant.
Coding change: c.1289C>T on transcript NM_014956.5 (MANE Select); coding-DNA position 1289, C replaced by T.
Protein change: p.Ser430Phe; replaces serine 430 with phenylalanine.
Molecular consequence: missense variant.
Genome position (GRCh38, 1-based): chr11:117,375,763, C>T. VCF-style: chr11-117375763-C-T. GRCh37 (hg19) VCF-style: chr11-117246479-C-T.
Other names: c.1289C>T, p.Ser430Phe (NM_001271933.2); short protein forms S430F.
Identifiers: ClinVar variation 999519 (VCV000999519.10), dbSNP rs2042677558, ClinGen allele CA382740330.

ClinVar aggregate classification (germline): Uncertain significance (1 of 4 stars; one submission).

Conditions:
Nephronophthisis 15 (NPHP15). Identifiers: Orphanet 3156, MedGen C3541853, MONDO:0013917, OMIM 614845.

Submission:

Labcorp Genetics (formerly Invitae), Labcorp
Classification: Uncertain significance for Nephronophthisis 15. Last evaluated: 2022-02-03. Review status: criteria provided, single submitter. Criteria: Invitae Variant Classification Sherloc (09022015). Collection method: clinical testing. Allele origin: germline.
Comment: This variant has not been reported in the literature in individuals affected with CEP164-related conditions. In summary, the available evidence is currently insufficient to determine the role of this variant in disease. Therefore, it has been classified as a Variant of Uncertain Significance. Algorithms developed to predict the effect of missense changes on protein structure and function (SIFT, PolyPhen-2, Align-GVGD) all suggest that this variant is likely to be disruptive. ClinVar contains an entry for this variant (Variation ID: 999519). This variant is not present in population databases (gnomAD no frequency). This sequence change replaces serine, which is neutral and polar, with phenylalanine, which is neutral and non-polar, at codon 430 of the CEP164 protein (p.Ser430Phe).